The following is an entry in ClinVar:

ClinVar aggregate classification (germline): Benign. Review status: criteria provided, multiple submitters, no conflicts (2 of 4 stars). 7 submissions from 7 submitters: Benign (5). 2 of the submissions do not count toward it. Last evaluated 2026-02-02.

Conditions:
TUBA8-related disorder. Also called: TUBA8-related condition.

Allele frequency attached by ClinVar (database versions not stated): ExAC 0.02904; gnomAD 0.05923 and 0.06275; 1000 Genomes Project 0.05950; 1000 Genomes Project 30x 0.06027; TOPMed 0.06145; ESP Exome Variant Server 0.06229; gnomAD exomes 0.02642.
gnomAD v4.1: 40,501 of 1,613,396 alleles (2.5%); highest among the groups gnomAD compares: African/African-American, 17%; 1,418 homozygotes.

Submissions (7):

Labcorp Genetics (formerly Invitae), Labcorp
Classification: Benign. Last evaluated: 2026-02-02. Review status: criteria provided, single submitter. Criteria: Invitae Variant Classification Sherloc (09022015). Collection method: clinical testing. Allele origin: germline.

Athena Diagnostics
Classification: Benign. Last evaluated: 2018-05-05. Review status: criteria provided, single submitter. Criteria: Athena Diagnostics Criteria. Collection method: clinical testing. Allele origin: germline.

Mayo Clinic Laboratories, Mayo Clinic
Classification: Benign. Last evaluated: 2018-04-10. Review status: criteria provided, single submitter. Criteria: ACMG Guidelines, 2015. Collection method: clinical testing. Allele origin: germline. Observed: 34 variant alleles.

GeneDx
Classification: Benign. Last evaluated: 2013-10-31. Review status: criteria provided, single submitter. Criteria: GeneDx Variant Classification (06012015). Collection method: clinical testing. Allele origin: germline. Affected: yes.
Comment: This variant is considered likely benign or benign based on one or more of the following criteria: it is a conservative change, it occurs at a poorly conserved position in the protein, it is predicted to be benign by multiple in silico algorithms, and/or has population frequency not consistent with disease.

Breakthrough Genomics
Classification: Benign. Review status: criteria provided, single submitter. Criteria: ACMG Guidelines, 2015. Collection method: not provided. Allele origin: germline. Inheritance: Autosomal dominant inheritance. Affected: yes.

PreventionGenetics, part of Exact Sciences
Classification: Benign for TUBA8-related condition. Last evaluated: 2019-07-01. Review status: no assertion criteria provided. Collection method: clinical testing. Allele origin: germline. Not counted in ClinVar's aggregate classification.
Comment: This variant is classified as benign based on ACMG/AMP sequence variant interpretation guidelines (Richards et al. 2015 PMID: 25741868, with internal and published modifications).

Genetic Services Laboratory, University of Chicago
Classification: Likely benign. Review status: no assertion criteria provided. Collection method: clinical testing. Allele origin: germline. Inheritance: Autosomal recessive inheritance. Not counted in ClinVar's aggregate classification.
Comment: Likely benign based on allele frequency in 1000 Genomes Project or ESP global frequency and its presence in a patient with a rare or unrelated disease phenotype. NOT Sanger confirmed

NM_018943.3(TUBA8):c.1057-7C>T

Gene: TUBA8 (tubulin alpha 8; plus strand). Cytogenetic location: 22q11.21.
Variant type: single nucleotide variant.
Coding change: c.1057-7C>T on transcript NM_018943.3 (MANE Select); 7 bases into the intron before coding-DNA position 1057, C replaced by T.
Molecular consequence: intron variant.
Genome position (GRCh38, 1-based): chr22:18,130,836, C>T. VCF-style: chr22-18130836-C-T. GRCh37 (hg19) VCF-style: chr22-18613603-C-T.
Other names: p.?; c.859-7C>T (NM_001193414.2).
Identifiers: ClinVar variation 137853 (VCV000137853.18), dbSNP rs2234338, ClinGen allele CA173762.